The following is an entry in ClinVar:

NM_014845.6(FIG4):c.1090A>C (p.Met364Leu)

Gene: FIG4 (FIG4 phosphoinositide 5-phosphatase; plus strand). Cytogenetic location: 6q21.
Variant type: single nucleotide variant.
Coding change: c.1090A>C on transcript NM_014845.6 (MANE Select); coding-DNA position 1090, A replaced by C.
Protein change: p.Met364Leu; replaces methionine 364 with leucine.
Molecular consequence: missense variant.
Genome position (GRCh38, 1-based): chr6:109,743,725, A>C. VCF-style: chr6-109743725-A-C. GRCh37 (hg19) VCF-style: chr6-110064928-A-C.
Other names: c.1090A>C (NM_014845.5); short protein forms M364L.
Identifiers: ClinVar variation 1011603 (VCV001011603.7), dbSNP rs2295837, ClinGen allele CA365222371.
Genomic context (GRCh38, chr6:109,743,725, plus strand): 5'-TCCTTCTCAGTGGATCAGGCAGATCCATTTGCACATGTGGCTGCCCTTCACTTTGACCAG[A>C]TGTTCCAGAGGTTTGGCTCTCCCATCATCATCTTGAATTTAGTGAAGGTATGATGTGCTC-3'
Protein context (NP_055660.1, residues 354-374): AHVAALHFDQ[Met364Leu]FQRFGSPIII

ClinVar aggregate classification (germline): Uncertain significance. Review status: criteria provided, multiple submitters, no conflicts (2 of 4 stars). 2 submissions from 2 submitters: Uncertain significance (2). Last evaluated 2021-12-15.

Conditions:
Charcot-Marie-Tooth disease type 4. Also called: Charcot-Marie-Tooth, Type 4; Charcot-Marie-Tooth disease, type IV. Identifiers: Orphanet 64749, MedGen C4082197, MONDO:0018995.
Inborn genetic diseases. Identifiers: MedGen C0950123, MeSH D030342.

Submissions (2):

Ambry Genetics
Classification: Uncertain significance for Inborn genetic diseases. Last evaluated: 2021-12-15. Review status: criteria provided, single submitter. Criteria: Ambry Variant Classification Scheme 2023. Collection method: clinical testing. Allele origin: germline.
Comment: Nicholson, 2011 Based on insufficient or conflicting evidence, the clinical significance of this alteration remains unclear.

Labcorp Genetics (formerly Invitae), Labcorp
Classification: Uncertain significance for Charcot-Marie-Tooth disease type 4. Last evaluated: 2020-06-04. Review status: criteria provided, single submitter. Criteria: Invitae Variant Classification Sherloc (09022015). Collection method: clinical testing. Allele origin: germline.
Comment: In summary, the available evidence is currently insufficient to determine the role of this variant in disease. Therefore, it has been classified as a Variant of Uncertain Significance. Algorithms developed to predict the effect of missense changes on protein structure and function (SIFT, PolyPhen-2, Align-GVGD) all suggest that this variant is likely to be tolerated, but these predictions have not been confirmed by published functional studies and their clinical significance is uncertain. This missense change has been observed in the heterozygous state in individual(s) tested for clinical suspicion of Charcot-Marie-Tooth disease (PMID: 21705420). This missense change has also been observed in individual(s) with amyotrophic lateral sclerosis (PMID: 23336365). This variant is not present in population databases (ExAC no frequency). This sequence change replaces methionine with leucine at codon 364 of the FIG4 protein (p.Met364Leu). The methionine residue is moderately conserved and there is a small physicochemical difference between methionine and leucine.

Literature cited by the submitters: PubMed 21705420 (cited by Ambry Genetics and Labcorp Genetics (formerly Invitae), Labcorp); PubMed 23336365 (cited by Ambry Genetics and Labcorp Genetics (formerly Invitae), Labcorp).